The following is an entry in ClinVar:

ClinVar aggregate classification (germline): Uncertain significance (1 of 4 stars; one submission).

Submission:

Labcorp Genetics (formerly Invitae), Labcorp
Classification: Uncertain significance. Last evaluated: 2025-10-08. Review status: criteria provided, single submitter. Criteria: Invitae Variant Classification Sherloc (09022015). Collection method: clinical testing. Allele origin: germline.
Comment: This sequence change affects the initiator codon of the SLC25A32 mRNA. This change may impact translation initiation or efficiency. The next in-frame methionine is located at codon 133. This variant is present in population databases (no rsID available, gnomAD 0.005%). This variant has not been reported in the literature in individuals affected with SLC25A32-related conditions. ClinVar contains an entry for this variant (Variation ID: 3712214). Experimental studies and prediction algorithms are not available or were not evaluated, and the functional significance of this variant is currently unknown. In summary, the available evidence is currently insufficient to determine the role of this variant in disease. Therefore, it has been classified as a Variant of Uncertain Significance.

NM_030780.5(SLC25A32):c.-8_10del (p.Met1_Gln4del)

Gene: SLC25A32 (solute carrier family 25 member 32; minus strand). Cytogenetic location: 8q22.3.
Variant type: Deletion.
Coding change: c.-8_10del on transcript NM_030780.5 (MANE Select); 8 bases upstream of the start codon through coding-DNA position 10, 18 bases deleted (CCGAGCCTATGACGGGCC).
Protein change: p.Met1_Gln4del.
Molecular consequence: initiator codon variant. On other transcripts: non-coding transcript variant (2).
Genome position (GRCh38, 1-based): chr8:103,414,928-103,414,945, GGCCCGTCATAGGCTCGG deleted on the plus strand (CCGAGCCTATGACGGGCC on the coding strand, the reverse complement: SLC25A32 is on the minus strand); deleting any 18 consecutive bases within chr8:103,414,928-103,414,953 gives the same sequence; the c. name uses the placement nearest the transcript's 3' end. VCF-style (leftmost placement, unchanged base first): chr8-103414927-TGGCCCGTCATAGGCTCGG-T. GRCh37 (hg19) VCF-style: chr8-104427155-TGGCCCGTCATAGGCTCGG-T.
Identifiers: ClinVar variation 3712214 (VCV003712214.2).